The following is an entry in ClinVar:

NM_001166114.2(PNPLA6):c.2587T>C (p.Cys863Arg)

Gene: PNPLA6 (patatin like domain 6, lysophospholipase; plus strand). Cytogenetic location: 19p13.2.
Variant type: single nucleotide variant.
Coding change: c.2587T>C on transcript NM_001166114.2 (MANE Select); coding-DNA position 2587, T replaced by C.
Protein change: p.Cys863Arg; replaces cysteine 863 with arginine.
Molecular consequence: missense variant.
Genome position (GRCh38, 1-based): chr19:7,554,676, T>C. VCF-style: chr19-7554676-T-C. GRCh37 (hg19) VCF-style: chr19-7619562-T-C.
Other names: c.2617T>C, p.Cys873Arg (NM_001166111.2); c.2392T>C, p.Cys798Arg (NM_001166112.2); c.2473T>C, p.Cys825Arg (NM_001166113.1, NM_006702.5); short protein forms C863R, C798R, C825R, C873R.
Identifiers: ClinVar variation 1351246 (VCV001351246.8), dbSNP rs2146101950, ClinGen allele CA403128913.

ClinVar aggregate classification (germline): Uncertain significance (1 of 4 stars; one submission).

Conditions:
Hereditary spastic paraplegia 39 (SPG39). Also called: Spastic Paraplegia Type 39 (SPG39); SPASTIC PARAPLEGIA 39, AUTOSOMAL RECESSIVE. Identifiers: Orphanet 139480, MedGen C2677586, MONDO:0012787, OMIM 612020.

Submission:

Labcorp Genetics (formerly Invitae), Labcorp
Classification: Uncertain significance for Hereditary spastic paraplegia 39. Last evaluated: 2021-08-24. Review status: criteria provided, single submitter. Criteria: Invitae Variant Classification Sherloc (09022015). Collection method: clinical testing. Allele origin: germline.
Comment: This variant is not present in population databases (ExAC no frequency). This sequence change replaces cysteine with arginine at codon 825 of the PNPLA6 protein (p.Cys825Arg). The cysteine residue is highly conserved and there is a large physicochemical difference between cysteine and arginine. This variant has not been reported in the literature in individuals with PNPLA6-related conditions. Algorithms developed to predict the effect of missense changes on protein structure and function are either unavailable or do not agree on the potential impact of this missense change (SIFT: "Deleterious"; PolyPhen-2: "Possibly Damaging"; Align-GVGD: "Class C0"). In summary, the available evidence is currently insufficient to determine the role of this variant in disease. Therefore, it has been classified as a Variant of Uncertain Significance.